The following is an entry in ClinVar:

NM_015189.3(EXOC6B):c.1206G>A (p.Lys402=)

Gene: EXOC6B (exocyst complex component 6B; minus strand). Cytogenetic location: 2p13.2.
Variant type: single nucleotide variant.
Coding change: c.1206G>A on transcript NM_015189.3 (MANE Select); coding-DNA position 1206, G replaced by A.
Protein change: p.Lys402=; no amino-acid change (lysine 402 retained).
Molecular consequence: synonymous variant. On other transcripts: non-coding transcript variant (2).
Genome position (GRCh38, 1-based): chr2:72,499,934, C>T on the plus strand (G>A on the coding strand, the complement: EXOC6B is on the minus strand). VCF-style: chr2-72499934-C-T. GRCh37 (hg19) VCF-style: chr2-72727063-C-T.
Other names: c.1206G>A (NM_015189.2); c.1206G>A, p.Lys402= (NM_001321729.2, NM_001321730.2, NM_001321731.2 and 1 more transcripts); c.867G>A, p.Lys289= (NM_001321734.2).
Identifiers: ClinVar variation 733985 (VCV000733985.11), dbSNP rs192879132, ClinGen allele CA1708521.

ClinVar aggregate classification (germline): Benign. Review status: criteria provided, single submitter (1 of 4 stars). 2 submissions from 2 submitters: Benign (1). 1 of the submissions does not count toward it. Last evaluated 2025-12-30.

Conditions:
EXOC6B-related disorder. Also called: EXOC6B-related condition.

Allele frequency attached by ClinVar (database versions not stated): gnomAD exomes 0.00014 and 0.00032; 1000 Genomes Project 30x 0.00016; 1000 Genomes Project 0.00020; ExAC 0.00059; ESP Exome Variant Server 0.00111; gnomAD 0.00164 and 0.00184; TOPMed 0.00187.
gnomAD v4.1: 456 of 1,553,504 alleles (0.029%); highest among the groups gnomAD compares: African/African-American, 0.57%; 1 homozygote.

Submissions (2):

Labcorp Genetics (formerly Invitae), Labcorp
Classification: Benign. Last evaluated: 2025-12-30. Review status: criteria provided, single submitter. Criteria: Invitae Variant Classification Sherloc (09022015). Collection method: clinical testing. Allele origin: germline.

PreventionGenetics, part of Exact Sciences
Classification: Likely benign for EXOC6B-related condition. Last evaluated: 2019-08-13. Review status: no assertion criteria provided. Collection method: clinical testing. Allele origin: germline. Not counted in ClinVar's aggregate classification.
Comment: This variant is classified as likely benign based on ACMG/AMP sequence variant interpretation guidelines (Richards et al. 2015 PMID: 25741868, with internal and published modifications).